The following is an entry in ClinVar:

ClinVar aggregate classification (germline): Uncertain significance (1 of 4 stars; one submission).

Conditions:
Spermatogenic failure 18. Identifiers: MedGen C4539783, MONDO:0054615, OMIM 617576.
Ciliary dyskinesia, primary, 37 (CILD37). Also called: CILIARY DYSKINESIA, PRIMARY, 37, WITH OR WITHOUT SITUS INVERSUS. Identifiers: MedGen C4539798, MONDO:0033204, OMIM 617577.

Allele frequency attached by ClinVar (database versions not stated): gnomAD exomes below 0.00001; ExAC 0.00001; gnomAD 0.00002.
gnomAD v4.1: 6 of 1,613,568 alleles (0.00037%); highest among the groups gnomAD compares: African/African-American, 0.004%; no homozygotes.

Submission:

Labcorp Genetics (formerly Invitae), Labcorp
Classification: Uncertain significance for Ciliary dyskinesia, primary, 37; Spermatogenic failure 18. Last evaluated: 2023-10-13. Review status: criteria provided, single submitter. Criteria: Invitae Variant Classification Sherloc (09022015). Collection method: clinical testing. Allele origin: germline.
Comment: This sequence change replaces alanine, which is neutral and non-polar, with valine, which is neutral and non-polar, at codon 3464 of the DNAH1 protein (p.Ala3464Val). This variant is present in population databases (rs776230117, gnomAD 0.003%). This variant has not been reported in the literature in individuals affected with DNAH1-related conditions. ClinVar contains an entry for this variant (Variation ID: 2144082). Advanced modeling of protein sequence and biophysical properties (such as structural, functional, and spatial information, amino acid conservation, physicochemical variation, residue mobility, and thermodynamic stability) performed at Invitae indicates that this missense variant is not expected to disrupt DNAH1 protein function. In summary, the available evidence is currently insufficient to determine the role of this variant in disease. Therefore, it has been classified as a Variant of Uncertain Significance.

NM_015512.5(DNAH1):c.10391C>T (p.Ala3464Val)

Gene: DNAH1 (dynein axonemal heavy chain 1; plus strand). Cytogenetic location: 3p21.1.
Variant type: single nucleotide variant.
Coding change: c.10391C>T on transcript NM_015512.5 (MANE Select); coding-DNA position 10391, C replaced by T.
Protein change: p.Ala3464Val; replaces alanine 3464 with valine.
Molecular consequence: missense variant.
Genome position (GRCh38, 1-based): chr3:52,392,942, C>T. VCF-style: chr3-52392942-C-T. GRCh37 (hg19) VCF-style: chr3-52426958-C-T.
Other names: short protein forms A3464V.
Identifiers: ClinVar variation 2144082 (VCV002144082.2), dbSNP rs776230117, ClinGen allele CA2435820.